The following is an entry in ClinVar:

ClinVar aggregate classification (germline): Uncertain significance (1 of 4 stars; one submission).

Conditions:
Familial cancer of breast. Also called: hereditary breast carcinoma; Hereditary breast cancer; BREAST CANCER, FAMILIAL. Identifiers: Orphanet 227535, MedGen C0346153, MONDO:0016419, OMIM 114480. Disease mechanism: loss of function.

Submission:

Labcorp Genetics (formerly Invitae), Labcorp
Classification: Uncertain significance for Familial cancer of breast. Last evaluated: 2024-05-22. Review status: criteria provided, single submitter. Criteria: Invitae Variant Classification Sherloc (09022015). Collection method: clinical testing. Allele origin: germline.
Comment: This sequence change replaces serine, which is neutral and polar, with glycine, which is neutral and non-polar, at codon 660 of the PALB2 protein (p.Ser660Gly). This variant is not present in population databases (gnomAD no frequency). This variant has not been reported in the literature in individuals affected with PALB2-related conditions. ClinVar contains an entry for this variant (Variation ID: 1063289). Advanced modeling of protein sequence and biophysical properties (such as structural, functional, and spatial information, amino acid conservation, physicochemical variation, residue mobility, and thermodynamic stability) performed at Invitae indicates that this missense variant is not expected to disrupt PALB2 protein function with a negative predictive value of 80%. In summary, the available evidence is currently insufficient to determine the role of this variant in disease. Therefore, it has been classified as a Variant of Uncertain Significance.

NM_024675.4(PALB2):c.1978A>G (p.Ser660Gly)

Gene: PALB2 (partner and localizer of BRCA2; minus strand). Cytogenetic location: 16p12.2.
Variant type: single nucleotide variant.
Coding change: c.1978A>G on transcript NM_024675.4 (MANE Select); coding-DNA position 1978, A replaced by G.
Protein change: p.Ser660Gly; replaces serine 660 with glycine.
Molecular consequence: missense variant.
Genome position (GRCh38, 1-based): chr16:23,630,176, T>C on the plus strand (A>G on the coding strand, the complement: PALB2 is on the minus strand). VCF-style: chr16-23630176-T-C. GRCh37 (hg19) VCF-style: chr16-23641497-T-C.
Other names: short protein forms S660G.
Identifiers: ClinVar variation 1063289 (VCV001063289.10), dbSNP rs2142384431, ClinGen allele CA395127285.